The following is an entry in ClinVar:

ClinVar aggregate classification (germline): Uncertain significance. Review status: criteria provided, single submitter (1 of 4 stars). 2 submissions from 2 submitters: Uncertain significance (1). 1 of the submissions does not count toward it. Last evaluated 2024-02-24.

Conditions:
Nemaline myopathy 2 (NEM2). Also called: Nemaline myopathy 2, autosomal recessive. Identifiers: MedGen C1850569, MONDO:0009725, OMIM 256030.

Allele frequency attached by ClinVar (database versions not stated): gnomAD exomes below 0.00001; gnomAD 0.00002; TOPMed 0.00002.
gnomAD v4.1: 5 of 1,592,324 alleles (0.00031%); highest among the groups gnomAD compares: Admixed American, 0.0035%; no homozygotes.

Submissions (2):

Labcorp Genetics (formerly Invitae), Labcorp
Classification: Uncertain significance for Nemaline myopathy 2. Last evaluated: 2024-02-24. Review status: criteria provided, single submitter. Criteria: Invitae Variant Classification Sherloc (09022015). Collection method: clinical testing. Allele origin: germline.
Comment: This sequence change replaces tyrosine, which is neutral and polar, with cysteine, which is neutral and slightly polar, at codon 6374 of the NEB protein (p.Tyr6374Cys). This variant is present in population databases (no rsID available, gnomAD 0.002%). This variant has not been reported in the literature in individuals affected with NEB-related conditions. ClinVar contains an entry for this variant (Variation ID: 959621). Experimental studies and prediction algorithms are not available or were not evaluated, and the functional significance of this variant is currently unknown. In summary, the available evidence is currently insufficient to determine the role of this variant in disease. Therefore, it has been classified as a Variant of Uncertain Significance.

Natera, Inc.
Classification: Uncertain significance for Nemaline myopathy type 2. Last evaluated: 2020-11-10. Review status: no assertion criteria provided. Collection method: clinical testing. Allele origin: germline. Not counted in ClinVar's aggregate classification.

NM_001164508.2(NEB):c.19121A>G (p.Tyr6374Cys)

Gene: NEB (nebulin; minus strand). Cytogenetic location: 2q23.3.
Variant type: single nucleotide variant.
Coding change: c.19121A>G on transcript NM_001164508.2 (MANE Select); coding-DNA position 19121, A replaced by G.
Protein change: p.Tyr6374Cys; replaces tyrosine 6374 with cysteine.
Molecular consequence: missense variant.
Genome position (GRCh38, 1-based): chr2:151,561,089, T>C on the plus strand (A>G on the coding strand, the complement: NEB is on the minus strand). VCF-style: chr2-151561089-T-C. GRCh37 (hg19) VCF-style: chr2-152417603-T-C.
Other names: c.19121A>G, p.Tyr6374Cys (NM_001164507.2, NM_001271208.2); c.14018A>G, p.Tyr4673Cys (NM_004543.5); short protein forms Y4673C, Y6374C.
Identifiers: ClinVar variation 959621 (VCV000959621.10), dbSNP rs1177490619, ClinGen allele CA348794986.